The following is an entry in ClinVar:

NM_004612.4(TGFBR1):c.797A>C (p.Asp266Ala)

Gene: TGFBR1 (transforming growth factor beta receptor 1; plus strand). Cytogenetic location: 9q22.33.
Variant type: single nucleotide variant.
Coding change: c.797A>C on transcript NM_004612.4 (MANE Select); coding-DNA position 797, A replaced by C.
Protein change: p.Asp266Ala; replaces aspartic acid 266 with alanine.
Molecular consequence: missense variant. On other transcripts: non-coding transcript variant (4), intron variant (2).
Genome position (GRCh38, 1-based): chr9:99,138,081, A>C. VCF-style: chr9-99138081-A-C. GRCh37 (hg19) VCF-style: chr9-101900363-A-C.
Other names: c.590A>C, p.Asp197Ala (NM_001407427.1, NM_001407428.1, NM_001407429.1 and 8 more transcripts); c.551A>C, p.Asp184Ala (NM_001407436.1); c.320A>C, p.Asp107Ala (NM_001407438.1); c.797A>C, p.Asp266Ala (NM_001407417.1); c.602A>C, p.Asp201Ala (NM_001407418.1, NM_001407419.1, NM_001407420.1 and 1 more transcripts); c.566A>C, p.Asp189Ala (NM_001130916.3); c.809A>C, p.Asp270Ala (NM_001306210.2, NM_001407416.1); c.575-4455A>C (NM_001407435.1); and 1 more; short protein forms D107A, D184A, D189A, D197A, D201A, D266A, D270A.
Identifiers: ClinVar variation 4855785 (VCV004855785.1).

ClinVar aggregate classification (germline): Uncertain significance (1 of 4 stars; one submission).

Conditions:
Loeys-Dietz syndrome 1 (LDS1). Also called: AORTIC ANEURYSM, FAMILIAL THORACIC 5; TGFBR1-Related Loeys-Dietz Syndrome; FURLONG SYNDROME. Identifiers: Orphanet 60030, MedGen C4551955, MONDO:0012212, OMIM 609192.

Submission:

3billion
Classification: Uncertain significance for Loeys-Dietz syndrome 1. Last evaluated: 2025-11-27. Review status: criteria provided, single submitter. Criteria: ACMG Guidelines, 2015. Collection method: clinical testing. Allele origin: germline. Affected: yes.
Comment: The variant is not observed in the gnomAD v4.1.0 dataset. Predicted Consequence/Location: Missense variant In silico tool predictions suggest damaging effect of the variant on gene or gene product [REVEL: 0.90 (>=0.6, sensitivity 0.68 and specificity 0.92); 3Cnet: 0.91 (> 0.75, sensitivity 0.96 and precision 0.92)]. Different missense changes at the same codon (p.Asp266Gly, p.Asp266Tyr, p.Asp266Val) have been reported as pathogenic/likely pathogenic with strong evidence (ClinVar ID: VCV000213884, VCV002780157 /PMID: 22113417, 33059708). Therefore, this variant is classified as VUS according to the recommendation of ACMG/AMP guideline.

Literature cited by the submitters: PubMed 22113417.